The following is an entry in ClinVar:

ClinVar aggregate classification (germline): Likely pathogenic (1 of 4 stars; one submission).

Submission:

Labcorp Genetics (formerly Invitae), Labcorp
Classification: Likely pathogenic. Last evaluated: 2021-06-26. Review status: criteria provided, single submitter. Criteria: Invitae Variant Classification Sherloc (09022015). Collection method: clinical testing. Allele origin: germline.
Comment: This sequence change affects a donor splice site in intron 8 of the MED17 gene. It is expected to disrupt RNA splicing. Variants that disrupt the donor or acceptor splice site typically lead to a loss of protein function (PMID: 16199547), and loss-of-function variants in MED17 are known to be pathogenic (PMID: 20950787, 26004231, 30345598). This variant is not present in population databases (ExAC no frequency). This variant has not been reported in the literature in individuals with MED17-related conditions. Algorithms developed to predict the effect of sequence changes on RNA splicing suggest that this variant may disrupt the consensus splice site, but this prediction has not been confirmed by published transcriptional studies. In summary, the currently available evidence indicates that the variant is pathogenic, but additional data are needed to prove that conclusively. Therefore, this variant has been classified as Likely Pathogenic.

Literature cited by the submitters: PubMed 16199547; PubMed 20950787; PubMed 26004231; PubMed 30345598.

NM_004268.5(MED17):c.1328+1G>A

Gene: MED17 (mediator complex subunit 17; plus strand). Cytogenetic location: 11q21.
Variant type: single nucleotide variant.
Coding change: c.1328+1G>A on transcript NM_004268.5 (MANE Select); the canonical splice donor site of the intron after coding-DNA position 1328, G replaced by A.
Molecular consequence: splice donor variant.
Genome position (GRCh38, 1-based): chr11:93,797,720, G>A. VCF-style: chr11-93797720-G-A. GRCh37 (hg19) VCF-style: chr11-93530886-G-A.
Identifiers: ClinVar variation 1512129 (VCV001512129.8), dbSNP rs1943919610, ClinGen allele CA382358785.